The following is an entry in ClinVar:

ClinVar aggregate classification (germline): Uncertain significance (1 of 4 stars; one submission).

Submission:

Labcorp Genetics (formerly Invitae), Labcorp
Classification: Uncertain significance. Last evaluated: 2022-05-17. Review status: criteria provided, single submitter. Criteria: Invitae Variant Classification Sherloc (09022015). Collection method: clinical testing. Allele origin: germline.
Comment: This variant, c.3169_3174del, results in the deletion of 2 amino acid(s) of the AEBP1 protein (p.Pro1057_Ala1058del), but otherwise preserves the integrity of the reading frame. This variant is present in population databases (rs755838362, gnomAD 0.03%). This variant has not been reported in the literature in individuals affected with AEBP1-related conditions. Experimental studies and prediction algorithms are not available or were not evaluated, and the functional significance of this variant is currently unknown. In summary, the available evidence is currently insufficient to determine the role of this variant in disease. Therefore, it has been classified as a Variant of Uncertain Significance.

NM_001129.5(AEBP1):c.3163CCTGCC[1] (p.1055PA[1])

Gene: AEBP1 (AE binding protein 1; plus strand). Cytogenetic location: 7p13.
Variant type: Microsatellite.
Coding change: c.3163CCTGCC[1] on transcript NM_001129.5 (MANE Select); one copy of the 6-base unit CCTGCC starting at c.3163; the reference has two copies in a row; one copy, 6 bases deleted.
Protein change: p.1055PA[1].
Molecular consequence: inframe deletion.
Genome position (GRCh38, 1-based): chr7:44,113,953-44,113,958, CCTGCC deleted; deleting any 6 consecutive bases within chr7:44,113,945-44,113,958 gives the same sequence; the position shown is the placement nearest the transcript's 3' end. VCF-style (leftmost placement, unchanged base first): chr7-44113944-CCCCCTG-C. GRCh37 (hg19) VCF-style: chr7-44153543-CCCCCTG-C.
Identifiers: ClinVar variation 1951225 (VCV001951225.2), dbSNP rs755838362, ClinGen allele CA4238428.
Genomic context (GRCh38, chr7:44,113,944, plus strand): 5'-CGGCTGCGGCGCCTCAACGCCACCACCACCCTAGGCCCCCACACTGTGCCTCCCACGCTG[CCCCCTG>C]CCCCTGCCACCACCCTGAGCACTACCATAGAGCCCTGGGGCCTCATACCGCCAACCACCG-3'